The following is an entry in ClinVar:

NM_152743.4(BRAT1):c.1564G>A (p.Glu522Lys)

Gene: BRAT1 (BRCA1 associated ATM activator 1; minus strand). Cytogenetic location: 7p22.3.
Variant type: single nucleotide variant.
Coding change: c.1564G>A on transcript NM_152743.4 (MANE Select); coding-DNA position 1564, G replaced by A.
Protein change: p.Glu522Lys; replaces glutamic acid 522 with lysine.
Molecular consequence: missense variant. On other transcripts: non-coding transcript variant (1).
Genome position (GRCh38, 1-based): chr7:2,539,577, C>T on the plus strand (G>A on the coding strand, the complement: BRAT1 is on the minus strand). VCF-style: chr7-2539577-C-T. GRCh37 (hg19) VCF-style: chr7-2579211-C-T.
Other names: c.1564G>A, p.Glu522Lys (NM_001350626.2); c.1039G>A, p.Glu347Lys (NM_001350627.2); short protein forms E347K, E522K.
Identifiers: ClinVar variation 840355 (VCV000840355.10), dbSNP rs145509776, ClinGen allele CA366627578.

ClinVar aggregate classification (germline): Uncertain significance. Review status: criteria provided, multiple submitters, no conflicts (2 of 4 stars). 3 submissions from 3 submitters: Uncertain significance (2). 1 of the submissions does not count toward it. Last evaluated 2023-01-30.

Conditions:
Neurodevelopmental disorder with cerebellar atrophy and with or without seizures. Identifiers: MedGen C4748032, MONDO:0020841, OMIM 618056.
Neonatal-onset encephalopathy with rigidity and seizures. Also called: Lethal neonatal spasticity-epileptic encephalopathy syndrome. Identifiers: Orphanet 435845, MedGen C3281029, MONDO:0013784, OMIM 614498.

gnomAD v4.1: 9 of 1,581,464 alleles (0.00057%); highest among the groups gnomAD compares: Admixed American, 0.0036%; no homozygotes.

Submissions (3):

Revvity Omics, Revvity
Classification: Uncertain significance. Last evaluated: 2023-01-30. Review status: criteria provided, single submitter. Criteria: ACMG Guidelines, 2015. Collection method: clinical testing. Allele origin: germline.

Labcorp Genetics (formerly Invitae), Labcorp
Classification: Uncertain significance for Neonatal-onset encephalopathy with rigidity and seizures. Last evaluated: 2022-03-19. Review status: criteria provided, single submitter. Criteria: Invitae Variant Classification Sherloc (09022015). Collection method: clinical testing. Allele origin: germline.
Comment: The frequency data for this variant in the population databases is considered unreliable, as metrics indicate poor data quality at this position in the gnomAD database. This missense change has been observed in individual(s) with progressive encephalopathy (PMID: 26947546). In at least one individual the data is consistent with being in trans (on the opposite chromosome) from a pathogenic variant. ClinVar contains an entry for this variant (Variation ID: 840355). Algorithms developed to predict the effect of missense changes on protein structure and function (SIFT, PolyPhen-2, Align-GVGD) all suggest that this variant is likely to be disruptive. In summary, the available evidence is currently insufficient to determine the role of this variant in disease. Therefore, it has been classified as a Variant of Uncertain Significance. This sequence change replaces glutamic acid, which is acidic and polar, with lysine, which is basic and polar, at codon 522 of the BRAT1 protein (p.Glu522Lys).

Department of Reproductive Genetics, International Peace Maternity and Child Health Hospital, Shanghai Jiao Tong University School of Medicine
Classification: Likely pathogenic for Neurodevelopmental disorder with cerebellar atrophy and with or without seizures. Last evaluated: 2025-05-01. Review status: no assertion criteria provided. Collection method: clinical testing. Allele origin: inherited. Affected: yes. Not counted in ClinVar's aggregate classification.
Comment: This missense variant replaces glutamic acid (acidic, polar), with lysine( basic, polar), at codon 522 of the BRAT1 protein (p.Glu522Lys). It has been reported in two patients in compound heterozygosity and in four patients in the homozygous state (PMID:2694546,37344571). The allele frequency is extremely low in population databases.

Literature cited by the submitters: PubMed 26947546 (cited by Labcorp Genetics (formerly Invitae), Labcorp and Department of Reproductive Genetics, International Peace Maternity and Child Health Hospital, Shanghai Jiao Tong University School of Medicine); PubMed 37344571 (cited by Department of Reproductive Genetics, International Peace Maternity and Child Health Hospital, Shanghai Jiao Tong University School of Medicine).